The following is an entry in ClinVar:

ClinVar aggregate classification (germline): Uncertain significance (1 of 4 stars; one submission).

Conditions:
Atypical hemolytic-uremic syndrome. Identifiers: Orphanet 2134, MedGen C2931788, MONDO:0016244.

Submission:

Genomenon, Inc
Classification: Uncertain significance for Atypical hemolytic-uremic syndrome. Last evaluated: 2025-09-30. Review status: criteria provided, single submitter. Criteria: Genomenon Sequence Variant Interpretation Standards. Collection method: curation. Allele origin: germline. Affected: yes.
Comment: C3 p.Tyr1432His (c.4294T>C) is a missense variant that changes the amino acid at residue 1432 from Tyrosine to Histidine. This variant has been observed in at least one proband affected with atypical hemolytic-uremic syndrome (PMID:25608561). It is absent or not present at a significant frequency in gnomAD. In silico models agree that this variant is possibly or probably damaging. In conclusion, we classify C3 p.Tyr1432His (c.4294T>C) as a variant of unknown significance.

Literature cited by the submitters: PubMed 25608561.

NM_000064.4(C3):c.4294T>C (p.Tyr1432His)

Gene: C3 (complement C3; minus strand). Cytogenetic location: 19p13.3.
Variant type: single nucleotide variant.
Coding change: c.4294T>C on transcript NM_000064.4 (MANE Select); coding-DNA position 4294, T replaced by C.
Protein change: p.Tyr1432His; replaces tyrosine 1432 with histidine.
Molecular consequence: missense variant.
Genome position (GRCh38, 1-based): chr19:6,681,997, A>G on the plus strand (T>C on the coding strand, the complement: C3 is on the minus strand). VCF-style: chr19-6681997-A-G. GRCh37 (hg19) VCF-style: chr19-6682008-A-G.
Other names: short protein forms Y1432H.
Identifiers: ClinVar variation 4280233 (VCV004280233.1).